The following is an entry in ClinVar:

NC_000017.10:g.(?_73974677)_(73976617_?)del

Genes: TEN1 (TEN1 subunit of CST complex; plus strand), ACOX1 (acyl-CoA oxidase 1; minus strand). Cytogenetic location: 17q25.1.
Variant type: Deletion.
Identifiers: ClinVar variation 3243044 (VCV003243044.1).

ClinVar aggregate classification (germline): Pathogenic (1 of 4 stars; one submission).

Conditions:
Acyl-CoA oxidase deficiency. Also called: STRAIGHT-CHAIN ACYL-CoA OXIDASE DEFICIENCY; Pseudoneonatal adrenoleukodystrophy; Peroxisomal acyl-CoA oxidase deficiency. Identifiers: Orphanet 2971, MedGen C1849678, MONDO:0009919, OMIM 264470. Disease mechanism: loss of function.

Submission:

Labcorp Genetics (formerly Invitae), Labcorp
Classification: Pathogenic for Acyl-CoA oxidase deficiency. Last evaluated: 2023-10-03. Review status: criteria provided, single submitter. Criteria: Invitae Variant Classification Sherloc (09022015). Collection method: clinical testing. Allele origin: unknown.
Comment: This variant results in the deletion of exon 1 and part of exon 2 (c.-1463_207delinsTTATT) of the ACOX1 gene. It is expected to result in an absent or disrupted protein product. Loss-of-function variants in ACOX1 are known to be pathogenic (PMID: 8040306, 17458872). This variant has not been reported in the literature in individuals affected with ACOX1-related conditions. For these reasons, this variant has been classified as Pathogenic.

Literature cited by the submitters: PubMed 8040306; PubMed 17458872.